The following is an entry in ClinVar:

NM_001128840.3(CACNA1D):c.1207G>C (p.Gly403Arg)

Gene: CACNA1D (calcium voltage-gated channel subunit alpha1 D; plus strand). Cytogenetic location: 3p21.1.
Variant type: single nucleotide variant.
Coding change: c.1207G>C on transcript NM_001128840.3 (MANE Select); coding-DNA position 1207, G replaced by C.
Protein change: p.Gly403Arg; replaces glycine 403 with arginine.
Molecular consequence: missense variant. On other transcripts: intron variant (1).
Genome position (GRCh38, 1-based): chr3:53,673,113, G>C. VCF-style: chr3-53673113-G-C. GRCh37 (hg19) VCF-style: chr3-53707140-G-C.
Other names: c.1207G>C, p.Gly403Arg (NM_001128839.3); c.1117-600G>C (NM_000720.4); short protein forms G403R.
Identifiers: ClinVar variation 91930 (VCV000091930.2), dbSNP rs386834263, ClinGen allele CA232184.

ClinVar aggregate classification (germline): Likely pathogenic (0 of 4 stars; one submission).

Submission:

Richard Lifton Laboratory, Yale University School of Medicine
Classification: Likely pathogenic. Review status: no assertion criteria provided. Collection method: not provided. Allele origin: somatic.
Comment: CACNA1D
ClinVar note: Converted during submission from probable-pathogenic to Likely pathogenic.